The following is an entry in ClinVar:

ClinVar aggregate classification (germline): Conflicting classifications of pathogenicity. Review status: criteria provided, conflicting classifications (1 of 4 stars). 3 submissions from 3 submitters: Uncertain significance (2); Likely benign (1). Last evaluated 2026-01-22.

Conditions:
Progressive microcephaly-seizures-cortical blindness-developmental delay syndrome. Also called: Seizures, cortical blindness, and microcephaly syndrome. Identifiers: Orphanet 477814, MedGen C5567650, MONDO:0014714, OMIM 616632.
Autosomal dominant nonsyndromic hearing loss 1. Also called: DEAFNESS, AUTOSOMAL DOMINANT 1, WITH OR WITHOUT THROMBOCYTOPENIA; KONIGSMARK SYNDROME. Identifiers: Orphanet 90635, MedGen C1852282, MONDO:0007424, OMIM 124900.

Allele frequency attached by ClinVar (database versions not stated): TOPMed 0.00003; gnomAD exomes 0.00006 and 0.00010; ExAC 0.00011.
gnomAD v4.1: 95 of 1,613,956 alleles (0.0059%); highest among the groups gnomAD compares: South Asian, 0.052%; no homozygotes.

Submissions (3):

Labcorp Genetics (formerly Invitae), Labcorp
Classification: Uncertain significance for Progressive microcephaly-seizures-cortical blindness-developmental delay syndrome; Autosomal dominant nonsyndromic hearing loss 1. Last evaluated: 2026-01-22. Review status: criteria provided, single submitter. Criteria: Invitae Variant Classification Sherloc (09022015). Collection method: clinical testing. Allele origin: germline.
Comment: This sequence change falls in intron 26 of the DIAPH1 gene. It does not directly change the encoded amino acid sequence of the DIAPH1 protein. It affects a nucleotide within the consensus splice site. This variant is present in population databases (rs538555634, gnomAD 0.04%). This variant has not been reported in the literature in individuals affected with DIAPH1-related conditions. ClinVar contains an entry for this variant (Variation ID: 517343). Variants that disrupt the consensus splice site are a relatively common cause of aberrant splicing (PMID: 17576681, 9536098). Algorithms developed to predict the effect of sequence changes on RNA splicing suggest that this variant is not likely to affect RNA splicing. In summary, the available evidence is currently insufficient to determine the role of this variant in disease. Therefore, it has been classified as a Variant of Uncertain Significance.

Blueprint Genetics
Classification: Likely benign. Last evaluated: 2023-12-07. Review status: criteria provided, single submitter. Criteria: ACMG Guidelines, 2015. Collection method: clinical testing. Allele origin: germline.

Laboratory for Molecular Medicine, Mass General Brigham Personalized Medicine
Classification: Uncertain significance. Last evaluated: 2017-04-13. Review status: criteria provided, single submitter. Criteria: LMM Criteria. Collection method: clinical testing. Allele origin: germline. Observed: 1 variant allele.
Comment: The c.3574+6G>C variant in DIAPH1 has not been previously reported in individual s with hearing loss, but has been identified in 13/30782 South Asian chromosomes by the Genome Aggregation Database (gnomAD; d bSNP rs538555634). This variant is located in the 5' splice region. Computationa l tools do not suggest an impact to splicing. However, this information is not p redictive enough to rule out pathogenicity. In summary, the clinical significanc e of the c.3574+6G>C variant is uncertain.

Literature cited by the submitters: PubMed 17576681 (cited by Labcorp Genetics (formerly Invitae), Labcorp); PubMed 9536098 (cited by Labcorp Genetics (formerly Invitae), Labcorp).

NM_005219.5(DIAPH1):c.3574+6G>C

Gene: DIAPH1 (diaphanous related formin 1; minus strand). Cytogenetic location: 5q31.3.
Variant type: single nucleotide variant.
Coding change: c.3574+6G>C on transcript NM_005219.5 (MANE Select); 6 bases into the intron after coding-DNA position 3574, G replaced by C.
Molecular consequence: intron variant.
Genome position (GRCh38, 1-based): chr5:141,526,032, C>G on the plus strand (G>C on the coding strand, the complement: DIAPH1 is on the minus strand). VCF-style: chr5-141526032-C-G. GRCh37 (hg19) VCF-style: chr5-140905599-C-G.
Other names: c.3547+6G>C (NM_001079812.3); c.3574+6G>C (NM_001314007.2).
Identifiers: ClinVar variation 517343 (VCV000517343.15), dbSNP rs538555634, ClinGen allele CA3478755.
Genomic context (GRCh38, chr5:141,526,032, plus strand): 5'-GACTCTAGGCAGAGAAGTCTTCCCAACATTCCTATCTCAGCCCATCAACCCGTCTTCACT[C>G]CTCACCTGCATTCATGTCTATGAGTTGCTCTCTCTTCTGCTGCTTCTCTAGCCGCTCCTT-3'